The following is an entry in ClinVar:

NM_001358235.2(DCHS2):c.1599T>C (p.Asn533=)

Gene: DCHS2 (dachsous cadherin-related 2; minus strand). Cytogenetic location: 4q31.3.
Variant type: single nucleotide variant.
Coding change: c.1599T>C on transcript NM_001358235.2 (MANE Select); coding-DNA position 1599, T replaced by C.
Protein change: p.Asn533=; no amino-acid change (asparagine 533 retained).
Molecular consequence: synonymous variant.
Genome position (GRCh38, 1-based): chr4:154,489,757, A>G on the plus strand (T>C on the coding strand, the complement: DCHS2 is on the minus strand). VCF-style: chr4-154489757-A-G. GRCh37 (hg19) VCF-style: chr4-155410909-A-G.
Other names: c.1599T>C, p.Asn533= (NM_001142552.2); c.1599C=, p.Asn533= (NM_001412223.1).
Identifiers: ClinVar variation 3060747 (VCV003060747.2), dbSNP rs35172627, ClinGen allele CA3113809.
Genomic context (GRCh38, chr4:154,489,757, plus strand): 5'-GGCCGCGGCCTCGGACACTGAGGCCTTGTAATGCTGTTGGCTGAAGAGAGGTGGTTGGTC[A>G]TTGAGGTCAGCGACCCGGAGTAGCAGCGTCTCCTCCGTGCTCAGCGGCGGGGACCCCGCG-3'
Protein context (NP_001345164.1, residues 523-543): ETLLLRVADL[Asn533=]DQPPLFSQQH

ClinVar aggregate classification (germline): Benign (0 of 4 stars; one submission).

Conditions:
DCHS2-related disorder. Also called: DCHS2-related condition.

Allele frequency attached by ClinVar (database versions not stated): 1000 Genomes Project 0.11342; 1000 Genomes Project 30x 0.11462; ExAC 0.18081; TOPMed 0.18580; gnomAD 0.18594; ESP Exome Variant Server 0.21397.
gnomAD v4.1: 368,324 of 1,551,470 alleles (24%); highest among the groups gnomAD compares: Non-Finnish European, 27%; 47,042 homozygotes.

Submission:

PreventionGenetics, part of Exact Sciences
Classification: Benign for DCHS2-related condition. Last evaluated: 2019-10-17. Review status: no assertion criteria provided. Collection method: clinical testing. Allele origin: germline.
Comment: This variant is classified as benign based on ACMG/AMP sequence variant interpretation guidelines (Richards et al. 2015 PMID: 25741868, with internal and published modifications).